The following is an entry in ClinVar:

NM_000051.4(ATM):c.4465C>A (p.Arg1489Ser)

Gene: ATM (ATM serine/threonine kinase; plus strand). Cytogenetic location: 11q22.3.
Variant type: single nucleotide variant.
Coding change: c.4465C>A on transcript NM_000051.4 (MANE Select); coding-DNA position 4465, C replaced by A.
Protein change: p.Arg1489Ser; replaces arginine 1489 with serine.
Molecular consequence: missense variant.
Genome position (GRCh38, 1-based): chr11:108,292,647, C>A. VCF-style: chr11-108292647-C-A. GRCh37 (hg19) VCF-style: chr11-108163374-C-A.
Other names: c.4465C>A, p.Arg1489Ser (NM_001351834.2); short protein forms R1489S.
Identifiers: ClinVar variation 3221317 (VCV003221317.1), dbSNP rs754181173, ClinGen allele CA382533097.

ClinVar aggregate classification (germline): Uncertain significance (1 of 4 stars; one submission).

Conditions:
Hereditary cancer-predisposing syndrome. Also called: Tumor predisposition; Hereditary neoplastic syndrome; Hereditary Cancer Syndrome; Neoplastic Syndromes, Hereditary. Identifiers: Orphanet 140162, MedGen C0027672, MeSH D009386, MONDO:0015356.

Submission:

Ambry Genetics
Classification: Uncertain significance for Hereditary cancer-predisposing syndrome. Last evaluated: 2023-12-24. Review status: criteria provided, single submitter. Criteria: Ambry Variant Classification Scheme 2023. Collection method: clinical testing. Allele origin: germline.
Comment: The p.R1489S variant (also known as c.4465C>A), located in coding exon 29 of the ATM gene, results from a C to A substitution at nucleotide position 4465. The arginine at codon 1489 is replaced by serine, an amino acid with dissimilar properties. This amino acid position is conserved. In addition, the in silico prediction for this alteration is inconclusive. Since supporting evidence is limited at this time, the clinical significance of this alteration remains unclear.